The following is an entry in ClinVar:

NM_000368.5(TSC1):c.669G>A (p.Met223Ile)

Gene: TSC1 (TSC complex subunit 1; minus strand). Cytogenetic location: 9q34.13.
Variant type: single nucleotide variant.
Coding change: c.669G>A on transcript NM_000368.5 (MANE Select); coding-DNA position 669, G replaced by A.
Protein change: p.Met223Ile; replaces methionine 223 with isoleucine.
Molecular consequence: missense variant. On other transcripts: 5 prime UTR variant (1), non-coding transcript variant (5), intron variant (4).
Genome position (GRCh38, 1-based): chr9:132,921,431, C>T on the plus strand (G>A on the coding strand, the complement: TSC1 is on the minus strand). VCF-style: chr9-132921431-C-T. GRCh37 (hg19) VCF-style: chr9-135796818-C-T.
Other names: c.669G>A, p.Met223Ile (NM_001162426.2, NM_001406592.1, NM_001406593.1 and 16 more transcripts); c.516G>A, p.Met172Ile (NM_001162427.2, NM_001406610.1, NM_001406611.1 and 2 more transcripts); c.306G>A, p.Met102Ile (NM_001362177.2, NM_001406614.1, NM_001406615.1 and 10 more transcripts); c.-425G>A (NM_001406630.1); c.-215+388G>A (NM_001406627.1, NM_001406628.1, NM_001406626.1); c.-357+388G>A (NM_001406629.1); short protein forms M172I, M223I, M102I.
Identifiers: ClinVar variation 3329437 (VCV003329437.1).

ClinVar aggregate classification (germline): Uncertain significance (1 of 4 stars; one submission).

Conditions:
Hereditary cancer-predisposing syndrome. Also called: Neoplastic Syndromes, Hereditary; Tumor predisposition; Hereditary neoplastic syndrome; Hereditary Cancer Syndrome. Identifiers: Orphanet 140162, MedGen C0027672, MeSH D009386, MONDO:0015356.

Submission:

Ambry Genetics
Classification: Uncertain significance for Hereditary cancer-predisposing syndrome. Last evaluated: 2024-05-18. Review status: criteria provided, single submitter. Criteria: Ambry Variant Classification Scheme 2023. Collection method: clinical testing. Allele origin: germline.
Comment: The p.M223I variant (also known as c.669G>A), located in coding exon 6 of the TSC1 gene, results from a G to A substitution at nucleotide position 669. The methionine at codon 223 is replaced by isoleucine, an amino acid with highly similar properties. This amino acid position is conserved. In addition, this alteration is predicted to be deleterious by in silico analysis. Based on the available evidence, the clinical significance of this variant remains unclear.